The following is an entry in ClinVar:

NM_001001957.2(OR2W3):c.910T>A (p.Leu304Met)

Gene: OR2W3 (olfactory receptor family 2 subfamily W member 3; plus strand). Cytogenetic location: 1q44.
Variant type: single nucleotide variant.
Coding change: c.910T>A on transcript NM_001001957.2 (MANE Select); coding-DNA position 910, T replaced by A.
Protein change: p.Leu304Met; replaces leucine 304 with methionine.
Molecular consequence: missense variant.
Genome position (GRCh38, 1-based): chr1:247,896,496, T>A. VCF-style: chr1-247896496-T-A. GRCh37 (hg19) VCF-style: chr1-248059798-T-A.
Other names: short protein forms L304M.
Identifiers: ClinVar variation 1376440 (VCV001376440.6), dbSNP rs146335586, ClinGen allele CA1498718.
Genomic context (GRCh38, chr1:247,896,496, plus strand): 5'-CTCCTCAATCCTCTCATCTACACCCTCAGAAACAGAGAGGTGAAGGGGGCACTGGGAAGG[T>A]TGCTTCTGGGGAAGAGAGAGCTAGGAAAGGAGTAAAGGCATCTCCACCTGACTTCACTTC-3'
Protein context (NP_001001957.2, residues 294-314): NREVKGALGR[Leu304Met]LLGKRELGKE

ClinVar aggregate classification (germline): Uncertain significance (1 of 4 stars; one submission).

Allele frequency attached by ClinVar (database versions not stated): gnomAD 0.00038 and 0.00037; TOPMed 0.00038; gnomAD exomes 0.00045 and 0.00022; 1000 Genomes Project 0.00020; ExAC 0.00026; 1000 Genomes Project 30x 0.00031; ESP Exome Variant Server 0.00031.

Submission:

Labcorp Genetics (formerly Invitae), Labcorp
Classification: Uncertain significance. Last evaluated: 2026-01-29. Review status: criteria provided, single submitter. Criteria: Invitae Variant Classification Sherloc (09022015). Collection method: clinical testing. Allele origin: germline.
Comment: This sequence change replaces leucine, which is neutral and non-polar, with methionine, which is neutral and non-polar, at codon 304 of the OR2W3 protein (p.Leu304Met). This variant is present in population databases (rs146335586, gnomAD 0.04%). This variant has not been reported in the literature in individuals affected with OR2W3-related conditions. ClinVar contains an entry for this variant (Variation ID: 1376440). An algorithm developed to predict the effect of missense changes on protein structure and function outputs the following: PolyPhen-2: "Not Available". The methionine amino acid residue is found in multiple mammalian species, which suggests that this missense change does not adversely affect protein function. In summary, the available evidence is currently insufficient to determine the role of this variant in disease. Therefore, it has been classified as a Variant of Uncertain Significance.